The following is an entry in ClinVar:

ClinVar aggregate classification (germline): Uncertain significance. Review status: criteria provided, multiple submitters, no conflicts (2 of 4 stars). 2 submissions from 2 submitters: Uncertain significance (2). Last evaluated 2024-07-30.

Conditions:
Dextro-looped transposition of the great arteries. Also called: Dextrotransposition of the great arteries. Identifiers: Orphanet 860, MedGen C3531771, MONDO:0019443, OMIM 608808, HP:0031348.
Inborn genetic diseases. Identifiers: MedGen C0950123, MeSH D030342.

Allele frequency attached by ClinVar (database versions not stated): TOPMed below 0.00001; ExAC 0.00001; gnomAD exomes 0.00001; ESP Exome Variant Server 0.00008.
gnomAD v4.1: 11 of 1,613,914 alleles (0.00068%); highest among the groups gnomAD compares: Non-Finnish European, 0.00076%; no homozygotes.

Submissions (2):

Ambry Genetics
Classification: Uncertain significance for Inborn genetic diseases. Last evaluated: 2024-07-30. Review status: criteria provided, single submitter. Criteria: Ambry Variant Classification Scheme 2023. Collection method: clinical testing. Allele origin: germline.

Labcorp Genetics (formerly Invitae), Labcorp
Classification: Uncertain significance for Dextro-looped transposition of the great arteries. Last evaluated: 2023-07-21. Review status: criteria provided, single submitter. Criteria: Invitae Variant Classification Sherloc (09022015). Collection method: clinical testing. Allele origin: germline.
Comment: This sequence change replaces alanine, which is neutral and non-polar, with aspartic acid, which is acidic and polar, at codon 1443 of the MED13L protein (p.Ala1443Asp). This variant is present in population databases (rs377383459, gnomAD 0.0009%). In summary, the available evidence is currently insufficient to determine the role of this variant in disease. Therefore, it has been classified as a Variant of Uncertain Significance. Advanced modeling of protein sequence and biophysical properties (such as structural, functional, and spatial information, amino acid conservation, physicochemical variation, residue mobility, and thermodynamic stability) performed at Invitae indicates that this missense variant is expected to disrupt MED13L protein function. This variant has not been reported in the literature in individuals affected with MED13L-related conditions.

NM_015335.5(MED13L):c.4328C>A (p.Ala1443Asp)

Gene: MED13L (mediator complex subunit 13L; minus strand). Cytogenetic location: 12q24.21.
Variant type: single nucleotide variant.
Coding change: c.4328C>A on transcript NM_015335.5 (MANE Select); coding-DNA position 4328, C replaced by A.
Protein change: p.Ala1443Asp; replaces alanine 1443 with aspartic acid.
Molecular consequence: missense variant.
Genome position (GRCh38, 1-based): chr12:115,986,276, G>T on the plus strand (C>A on the coding strand, the complement: MED13L is on the minus strand). VCF-style: chr12-115986276-G-T. GRCh37 (hg19) VCF-style: chr12-116424081-G-T.
Other names: c.4328C>A (NM_015335.4); short protein forms A1443D.
Identifiers: ClinVar variation 2906476 (VCV002906476.4), dbSNP rs377383459, ClinGen allele CA6810836.
Genomic context (GRCh38, chr12:115,986,276, plus strand): 5'-AATCAGAGGATCCAAGTCATAAAAAGCAATTTTCACAGTAACTTCCTCACCTCGTATACA[G>T]CACTCAAGTCCCTGAAGAAAGTTTTGGCTCCTTCGAGCAAGGCCTCATTTTCTGGACACA-3'
Protein context (NP_056150.1, residues 1433-1453): GAKTFFRDLS[Ala1443Asp]VYEMCRLGQH